The following is an entry in ClinVar:

ClinVar aggregate classification (germline): Conflicting classifications of pathogenicity. Review status: criteria provided, conflicting classifications (1 of 4 stars). 2 submissions from 2 submitters: Uncertain significance (1); Likely benign (1). Last evaluated 2025-10-12.

Allele frequency attached by ClinVar (database versions not stated): gnomAD exomes 0.00004; gnomAD 0.00005.
gnomAD v4.1: 59 of 1,554,634 alleles (0.0038%); highest among the groups gnomAD compares: African/African-American, 0.0014%; no homozygotes.

Submissions (2):

Labcorp Genetics (formerly Invitae), Labcorp
Classification: Uncertain significance. Last evaluated: 2025-10-12. Review status: criteria provided, single submitter. Criteria: Invitae Variant Classification Sherloc (09022015). Collection method: clinical testing. Allele origin: germline.
Comment: This sequence change falls in intron 64 of the COL11A2 gene. It does not directly change the encoded amino acid sequence of the COL11A2 protein. It affects a nucleotide within the consensus splice site. This variant is present in population databases (rs753205692, gnomAD 0.09%). This variant has not been reported in the literature in individuals affected with COL11A2-related conditions. ClinVar contains an entry for this variant (Variation ID: 2729215). Variants that disrupt the consensus splice site are a relatively common cause of aberrant splicing (PMID: 17576681, 9536098). Algorithms developed to predict the effect of sequence changes on RNA splicing suggest that this variant is not likely to affect RNA splicing. In summary, the available evidence is currently insufficient to determine the role of this variant in disease. Therefore, it has been classified as a Variant of Uncertain Significance.

Blueprint Genetics
Classification: Likely benign. Last evaluated: 2023-11-28. Review status: criteria provided, single submitter. Criteria: ACMG Guidelines, 2015. Collection method: clinical testing. Allele origin: germline.

Literature cited by the submitters: PubMed 17576681 (cited by Labcorp Genetics (formerly Invitae), Labcorp); PubMed 9536098 (cited by Labcorp Genetics (formerly Invitae), Labcorp).

NM_080680.3(COL11A2):c.4863+3G>A

Gene: COL11A2 (collagen type XI alpha 2 chain; minus strand). Cytogenetic location: 6p21.32.
Variant type: single nucleotide variant.
Coding change: c.4863+3G>A on transcript NM_080680.3 (MANE Select); 3 bases into the intron after coding-DNA position 4863, G replaced by A.
Molecular consequence: intron variant.
Genome position (GRCh38, 1-based): chr6:33,164,849, C>T on the plus strand (G>A on the coding strand, the complement: COL11A2 is on the minus strand). VCF-style: chr6-33164849-C-T. GRCh37 (hg19) VCF-style: chr6-33132626-C-T.
Other names: c.3837+3G>A (NM_001424111.1, NM_001424110.1); c.4542+3G>A (NM_080679.3); c.4605+3G>A (NM_080681.3); c.4683+3G>A (NM_001424108.1); c.4017+3G>A (NM_001424109.1); c.2817+3G>A (NM_001424112.1).
Identifiers: ClinVar variation 2729215 (VCV002729215.4), dbSNP rs753205692, ClinGen allele CA3749984.